The following is an entry in ClinVar:

NM_001369.3(DNAH5):c.3322A>G (p.Lys1108Glu)

Genes: DNAH5-AS1 (DNAH5 antisense RNA 1; plus strand), DNAH5 (dynein axonemal heavy chain 5; minus strand). Cytogenetic location: 5p15.2.
Variant type: single nucleotide variant.
Coding change: c.3322A>G on transcript NM_001369.3 (MANE Select); coding-DNA position 3322, A replaced by G.
Protein change: p.Lys1108Glu; replaces lysine 1108 with glutamic acid.
Molecular consequence: missense variant.
Genome position (GRCh38, 1-based): chr5:13,876,758, T>C on the plus strand (A>G on the coding strand, the complement: DNAH5 is on the minus strand). VCF-style: chr5-13876758-T-C. GRCh37 (hg19) VCF-style: chr5-13876867-T-C.
Other names: c.3322A>G (NM_001369.2); short protein forms K1108E.
Identifiers: ClinVar variation 2145875 (VCV002145875.4), dbSNP rs781737643, ClinGen allele CA3204308.

ClinVar aggregate classification (germline): Uncertain significance. Review status: criteria provided, multiple submitters, no conflicts (2 of 4 stars). 2 submissions from 2 submitters: Uncertain significance (2). Last evaluated 2023-11-14.

Conditions:
Primary ciliary dyskinesia. Also called: Ciliary dyskinesia. Identifiers: Orphanet 244, MedGen C0008780, MONDO:0016575, HP:0012265.

Allele frequency attached by ClinVar (database versions not stated): gnomAD exomes below 0.00001; ExAC 0.00001; gnomAD 0.00001.
gnomAD v4.1: 7 of 1,613,716 alleles (0.00043%); highest among the groups gnomAD compares: Non-Finnish European, 0.00051%; no homozygotes.

Submissions (2):

Labcorp Genetics (formerly Invitae), Labcorp
Classification: Uncertain significance for Primary ciliary dyskinesia. Last evaluated: 2023-11-14. Review status: criteria provided, single submitter. Criteria: Invitae Variant Classification Sherloc (09022015). Collection method: clinical testing. Allele origin: germline.
Comment: This sequence change replaces lysine, which is basic and polar, with glutamic acid, which is acidic and polar, at codon 1108 of the DNAH5 protein (p.Lys1108Glu). This variant is not present in population databases (gnomAD no frequency). This variant has not been reported in the literature in individuals affected with DNAH5-related conditions. ClinVar contains an entry for this variant (Variation ID: 2145875). Advanced modeling of protein sequence and biophysical properties (such as structural, functional, and spatial information, amino acid conservation, physicochemical variation, residue mobility, and thermodynamic stability) performed at Invitae indicates that this missense variant is not expected to disrupt DNAH5 protein function with a negative predictive value of 95%. In summary, the available evidence is currently insufficient to determine the role of this variant in disease. Therefore, it has been classified as a Variant of Uncertain Significance.

Ambry Genetics
Classification: Uncertain significance for Primary ciliary dyskinesia. Last evaluated: 2023-02-15. Review status: criteria provided, single submitter. Criteria: Ambry Variant Classification Scheme 2023. Collection method: clinical testing. Allele origin: germline.